The following is an entry in ClinVar:

ClinVar aggregate classification (germline): Pathogenic/Likely pathogenic. Review status: criteria provided, multiple submitters, no conflicts (2 of 4 stars). 3 submissions from 3 submitters: Pathogenic (2); Likely pathogenic (1). Last evaluated 2026-04-18.

Conditions:
Myasthenic syndrome, congenital, 22 (CMS22). Also called: PREPL DEFICIENCY. Identifiers: MedGen C4479088, MONDO:0044299, OMIM 616224.
PREPL-related disorder. Also called: PREPL-related condition.

Submissions (3):

GeneDx
Classification: Pathogenic. Last evaluated: 2026-04-18. Review status: criteria provided, single submitter. Criteria: GeneDx Variant Classification Process June 2021. Collection method: clinical testing. Allele origin: germline.
Comment: Frameshift variant predicted to result in protein truncation or nonsense mediated decay in a gene for which loss of function is a known mechanism of disease; Has not been previously published as pathogenic or benign to our knowledge

Labcorp Genetics (formerly Invitae), Labcorp
Classification: Pathogenic for Myasthenic syndrome, congenital, 22. Last evaluated: 2025-11-27. Review status: criteria provided, single submitter. Criteria: Invitae Variant Classification Sherloc (09022015). Collection method: clinical testing. Allele origin: germline.
Comment: This sequence change creates a premature translational stop signal (p.Leu145Tyrfs*9) in the PREPL gene. It is expected to result in an absent or disrupted protein product. Loss-of-function variants in PREPL are known to be pathogenic (PMID: 24610330, 28726805, 29913539). This variant is present in population databases (rs775517492, gnomAD 0.04%). This variant has not been reported in the literature in individuals affected with PREPL-related conditions. ClinVar contains an entry for this variant (Variation ID: 583046). For these reasons, this variant has been classified as Pathogenic.

PreventionGenetics, part of Exact Sciences
Classification: Likely pathogenic for PREPL-related condition. Last evaluated: 2023-09-07. Review status: criteria provided, single submitter. Criteria: ACMG Guidelines, 2015. Collection method: clinical testing. Allele origin: germline.
Comment: The PREPL c.434delT variant is predicted to result in a frameshift and premature protein termination (p.Leu145Tyrfs*9). To our knowledge, this variant has not been reported in the literature. This variant is reported in 0.043% of alleles in individuals of Latino descent in gnomAD. Frameshift variants in PREPL are expected to be pathogenic. This variant is interpreted as likely pathogenic.

Literature cited by the submitters: PubMed 24610330 (cited by Labcorp Genetics (formerly Invitae), Labcorp); PubMed 28726805 (cited by Labcorp Genetics (formerly Invitae), Labcorp); PubMed 29913539 (cited by Labcorp Genetics (formerly Invitae), Labcorp).

NM_001171613.2(PREPL):c.167del (p.Leu56fs)

Gene: PREPL (prolyl endopeptidase like; minus strand). Cytogenetic location: 2p21.
Variant type: Deletion.
Coding change: c.167del on transcript NM_001171613.2 (MANE Select); coding-DNA position 167, one base deleted (T; older notation c.167delT).
Protein change: p.Leu56fs; shifts the reading frame from leucine 56.
Molecular consequence: frameshift variant.
Genome position (GRCh38, 1-based): chr2:44,343,927, A deleted on the plus strand (T on the coding strand, the reverse complement: PREPL is on the minus strand); the first of 4 consecutive A bases (chr2:44,343,927-44,343,930); deleting any one gives the same sequence. VCF-style (leftmost placement, unchanged base first): chr2-44343926-TA-T. GRCh37 (hg19) VCF-style: chr2-44571065-TA-T.
Other names: c.434delT (NM_006036.4); c.434del, p.Leu145fs (NM_001042385.2, NM_001042386.2, NM_001171603.1 and 4 more transcripts); c.167del, p.Leu56fs (NM_001171617.1, NM_001374277.1); short protein forms L145fs, L56fs.
Identifiers: ClinVar variation 583046 (VCV000583046.9), dbSNP rs775517492, ClinGen allele CA1641578.
Genomic context (GRCh38, chr2:44,343,926, plus strand): 5'-TGGAGCAACTCTGATACAATCAATGAAGGGCTGGTCTAACTTAAGTTCCTCCAAATTGAA[TA>T]AAACTTCATAATTATCATTGTCTGCTGTATAAAGAAAAATACGAAAGTGATAACTTCAAA-3'